The following is an entry in ClinVar:

NM_006129.5(BMP1):c.2461T>C (p.Phe821Leu)

Gene: BMP1 (bone morphogenetic protein 1; plus strand). Cytogenetic location: 8p21.3.
Variant type: single nucleotide variant.
Coding change: c.2461T>C on transcript NM_006129.5 (MANE Select); coding-DNA position 2461, T replaced by C.
Protein change: p.Phe821Leu; replaces phenylalanine 821 with leucine.
Molecular consequence: missense variant. On other transcripts: non-coding transcript variant (1).
Genome position (GRCh38, 1-based): chr8:22,207,402, T>C. VCF-style: chr8-22207402-T-C. GRCh37 (hg19) VCF-style: chr8-22064915-T-C.
Other names: short protein forms F821L.
Identifiers: ClinVar variation 1715131 (VCV001715131.5), dbSNP rs2539033866, ClinGen allele CA370509900.

ClinVar aggregate classification (germline): Uncertain significance (1 of 4 stars; one submission).

Allele frequency attached by ClinVar (database versions not stated): gnomAD exomes below 0.00001.
gnomAD v4.1: 1 of 1,614,152 alleles (0.000062%); highest among the groups gnomAD compares: Non-Finnish European, 0.000085%; no homozygotes.

Submission:

Labcorp Genetics (formerly Invitae), Labcorp
Classification: Uncertain significance. Last evaluated: 2022-08-05. Review status: criteria provided, single submitter. Criteria: Invitae Variant Classification Sherloc (09022015). Collection method: clinical testing. Allele origin: germline.
Comment: In summary, the available evidence is currently insufficient to determine the role of this variant in disease. Therefore, it has been classified as a Variant of Uncertain Significance. Algorithms developed to predict the effect of missense changes on protein structure and function are either unavailable or do not agree on the potential impact of this missense change (SIFT: "Deleterious"; PolyPhen-2: "Benign"; Align-GVGD: "Class C15"). This variant has not been reported in the literature in individuals affected with BMP1-related conditions. This variant is not present in population databases (gnomAD no frequency). This sequence change replaces phenylalanine, which is neutral and non-polar, with leucine, which is neutral and non-polar, at codon 821 of the BMP1 protein (p.Phe821Leu).